The following is an entry in ClinVar:

ClinVar aggregate classification (germline): Uncertain significance (1 of 4 stars; one submission).

Conditions:
Ataxia - intellectual disability - oculomotor apraxia - cerebellar cysts syndrome. Also called: Poretti-Boltshauser syndrome. Identifiers: Orphanet 370022, MedGen C4014821, MONDO:0014419, OMIM 615960.

Submission:

Baylor Genetics
Classification: Uncertain significance for Ataxia - intellectual disability - oculomotor apraxia - cerebellar cysts syndrome. Last evaluated: 2020-06-30. Review status: criteria provided, single submitter. Criteria: ACMG Guidelines, 2015. Collection method: clinical testing. Allele origin: unknown. Affected: yes.
Comment: This variant was determined to be of uncertain significance according to ACMG Guidelines, 2015 [PMID:25741868].

NM_005559.4(LAMA1):c.6029A>G (p.Lys2010Arg)

Gene: LAMA1 (laminin subunit alpha 1; minus strand). Cytogenetic location: 18p11.31.
Variant type: single nucleotide variant.
Coding change: c.6029A>G on transcript NM_005559.4 (MANE Select); coding-DNA position 6029, A replaced by G.
Protein change: p.Lys2010Arg; replaces lysine 2010 with arginine.
Molecular consequence: missense variant.
Genome position (GRCh38, 1-based): chr18:6,978,357, T>C on the plus strand (A>G on the coding strand, the complement: LAMA1 is on the minus strand). VCF-style: chr18-6978357-T-C. GRCh37 (hg19) VCF-style: chr18-6978356-T-C.
Other names: short protein forms K2010R.
Identifiers: ClinVar variation 1030937 (VCV001030937.1), dbSNP rs2057692609, ClinGen allele CA401832472.
Genomic context (GRCh38, chr18:6,978,357, plus strand): 5'-GCCACGTCCCTCAGCGTGCTCACCGCGCTCTGGCTTGCAGACGTGGCCAGCTCTTTGGTT[T>C]TGGCTCCCTTGTCTCTTATACCTAAAATAAATGTATATAAAAGCATGCACTTCTGGTGCT-3'
Protein context (NP_005550.2, residues 2000-2020): IPKGIRDKGA[Lys2010Arg]TKELATSASQ